The following is an entry in ClinVar:

ClinVar aggregate classification (germline): Benign. Review status: criteria provided, multiple submitters, no conflicts (2 of 4 stars). 3 submissions from 3 submitters: Benign (3). Last evaluated 2020-02-14.

Conditions:
MPI-congenital disorder of glycosylation. Also called: CONGENITAL DISORDER OF GLYCOSYLATION, TYPE Ib; CDG Ib; MANNOSEPHOSPHATE ISOMERASE DEFICIENCY; MPI DEFICIENCY; PROTEIN-LOSING ENTEROPATHY-HEPATIC FIBROSIS SYNDROME; MPI-CDG. Identifiers: Orphanet 79319, MedGen C1865145, MONDO:0011257, OMIM 602579.

Allele frequency attached by ClinVar (database versions not stated): gnomAD 0.05916 and 0.06346; 1000 Genomes Project 0.06310; TOPMed 0.06553; 1000 Genomes Project 30x 0.06590.
gnomAD v4.1: 17,279 of 1,521,918 alleles (1.1%); highest among the groups gnomAD compares: African/African-American, 21%; 1,577 homozygotes.

Submissions (3):

GeneDx
Classification: Benign. Last evaluated: 2020-02-14. Review status: criteria provided, single submitter. Criteria: GeneDx Variant Classification Process June 2021. Collection method: clinical testing. Allele origin: germline. Affected: yes.

Illumina Laboratory Services, Illumina
Classification: Benign for MPI-congenital disorder of glycosylation. Last evaluated: 2018-01-13. Review status: criteria provided, single submitter. Criteria: ICSL Variant Classification Criteria 13 December 2019. Collection method: clinical testing. Allele origin: germline.
Comment: This variant was observed in the ICSL laboratory as part of a predisposition screen in an ostensibly healthy population. It had not been previously curated by ICSL or reported in the Human Gene Mutation Database (HGMD: prior to June 1st, 2018), and was therefore a candidate for classification through an automated scoring system. Utilizing variant allele frequency, disease prevalence and penetrance estimates, and inheritance mode, an automated score was calculated to assess if this variant is too frequent to cause the disease. Based on the score and internal cut-off values, a variant classified as benign is not then subjected to further curation. The score for this variant resulted in a classification of benign for this disease.

Breakthrough Genomics
Classification: Benign. Review status: criteria provided, single submitter. Criteria: ACMG Guidelines, 2015. Collection method: not provided. Allele origin: germline. Inheritance: Autosomal recessive inheritance. Affected: yes.

NM_002435.3(MPI):c.*58C>T

Gene: MPI (mannose phosphate isomerase; plus strand). Cytogenetic location: 15q24.1.
Variant type: single nucleotide variant.
Coding change: c.*58C>T on transcript NM_002435.3 (MANE Select); 58 bases downstream of the stop codon, C replaced by T.
Molecular consequence: 3 prime UTR variant.
Genome position (GRCh38, 1-based): chr15:74,897,788, C>T. VCF-style: chr15-74897788-C-T. GRCh37 (hg19) VCF-style: chr15-75190129-C-T.
Other names: c.*257C>T (NM_001289155.2); c.*58C>T (NM_001289156.2, NM_001289157.2, NM_001330372.2).
Identifiers: ClinVar variation 317146 (VCV000317146.9), dbSNP rs2230479, ClinGen allele CA10646609.
Genomic context (GRCh38, chr15:74,897,788, plus strand): 5'-TAAAGGCTGCAGCCTCCCCAGCTCTCCTCTGCCAGCCACCCTAAATTCCAGCCAACCTCA[C>T]CTCCTCGGGCCCAGCTCAAGCCCCCTTCCTTGCTCTGGACCCCTTAGGTATACCCTGGAA-3'